The following is an entry in ClinVar:

ClinVar aggregate classification (germline): Uncertain significance. Review status: criteria provided, multiple submitters, no conflicts (2 of 4 stars). 2 submissions from 2 submitters: Uncertain significance (2). Last evaluated 2025-03-17.

Allele frequency attached by ClinVar (database versions not stated): gnomAD 0.00002; TOPMed 0.00002; gnomAD exomes 0.00005 and 0.00008; ExAC 0.00012.
gnomAD v4.1: 79 of 1,613,952 alleles (0.0049%); highest among the groups gnomAD compares: Non-Finnish European, 0.0041%; no homozygotes.

Submissions (2):

Labcorp Genetics (formerly Invitae), Labcorp
Classification: Uncertain significance. Last evaluated: 2025-03-17. Review status: criteria provided, single submitter. Criteria: Invitae Variant Classification Sherloc (09022015). Collection method: clinical testing. Allele origin: germline.
Comment: This sequence change replaces alanine, which is neutral and non-polar, with valine, which is neutral and non-polar, at codon 330 of the IDH3A protein (p.Ala330Val). This variant is present in population databases (rs200318715, gnomAD 0.04%). This missense change has been observed in individual(s) with retinal dystrophy (PMID: 36819107). ClinVar contains an entry for this variant (Variation ID: 1389331). Invitae Evidence Modeling of protein sequence and biophysical properties (such as structural, functional, and spatial information, amino acid conservation, physicochemical variation, residue mobility, and thermodynamic stability) has been performed for this missense variant. However, the output from this modeling did not meet the statistical confidence thresholds required to predict the impact of this variant on IDH3A protein function. In summary, the available evidence is currently insufficient to determine the role of this variant in disease. Therefore, it has been classified as a Variant of Uncertain Significance.

Blueprint Genetics
Classification: Uncertain significance. Last evaluated: 2022-05-25. Review status: criteria provided, single submitter. Criteria: ACMG Guidelines, 2015. Collection method: clinical testing. Allele origin: germline.

Literature cited by the submitters: PubMed 36819107 (cited by Labcorp Genetics (formerly Invitae), Labcorp).

NM_005530.3(IDH3A):c.989C>T (p.Ala330Val)

Gene: IDH3A (isocitrate dehydrogenase (NAD(+)) 3 catalytic subunit alpha; plus strand). Cytogenetic location: 15q25.1.
Variant type: single nucleotide variant.
Coding change: c.989C>T on transcript NM_005530.3 (MANE Select); coding-DNA position 989, C replaced by T.
Protein change: p.Ala330Val; replaces alanine 330 with valine.
Molecular consequence: missense variant.
Genome position (GRCh38, 1-based): chr15:78,166,274, C>T. VCF-style: chr15-78166274-C-T. GRCh37 (hg19) VCF-style: chr15-78458616-C-T.
Other names: short protein forms A330V.
Identifiers: ClinVar variation 1389331 (VCV001389331.6), dbSNP rs200318715, ClinGen allele CA7680734.